The following is an entry in ClinVar:

ClinVar aggregate classification (germline): Benign/Likely benign. Review status: criteria provided, multiple submitters, no conflicts (2 of 4 stars). 2 submissions from 2 submitters: Benign (1); Likely benign (1). Last evaluated 2024-03-27.

Conditions:
Familial adenomatous polyposis 1 (FAP1). Also called: FAMILIAL ADENOMATOUS POLYPOSIS 1, ATTENUATED; POLYPOSIS, ADENOMATOUS INTESTINAL. Identifiers: MedGen C2713442, MONDO:0021056, OMIM 175100. Disease mechanism: loss of function.

Submissions (2):

Myriad Genetics, Inc.
Classification: Benign for Familial adenomatous polyposis 1. Last evaluated: 2024-03-27. Review status: criteria provided, single submitter. Criteria: Myriad Autosomal Dominant, Autosomal Recessive and X-Linked Classification Criteria (2023). Collection method: clinical testing. Allele origin: unknown.
Comment: This variant is considered benign. This variant is a silent/synonymous amino acid change and it is not expected to impact splicing.

Labcorp Genetics (formerly Invitae), Labcorp
Classification: Likely benign for Familial adenomatous polyposis 1. Last evaluated: 2023-08-09. Review status: criteria provided, single submitter. Criteria: Invitae Variant Classification Sherloc (09022015). Collection method: clinical testing. Allele origin: germline.

NM_000038.6(APC):c.4497A>G (p.Gly1499=)

Gene: APC (APC regulator of Wnt signaling pathway; plus strand). Cytogenetic location: 5q22.2.
Variant type: single nucleotide variant.
Coding change: c.4497A>G on transcript NM_000038.6 (MANE Select); coding-DNA position 4497, A replaced by G.
Protein change: p.Gly1499=; no amino-acid change (glycine 1499 retained).
Molecular consequence: synonymous variant. On other transcripts: non-coding transcript variant (2).
Genome position (GRCh38, 1-based): chr5:112,840,091, A>G. VCF-style: chr5-112840091-A-G. GRCh37 (hg19) VCF-style: chr5-112175788-A-G.
Other names: c.4497A>G, p.Gly1499= (NM_001127510.3, NM_001354895.2, NM_001407450.1); c.4443A>G, p.Gly1481= (NM_001127511.3); c.4551A>G, p.Gly1517= (NM_001354896.2, NM_001407447.1, NM_001407448.1 and 1 more transcripts); c.4527A>G, p.Gly1509= (NM_001354897.2); c.4422A>G, p.Gly1474= (NM_001354898.2); c.4413A>G, p.Gly1471= (NM_001354899.2); c.4374A>G, p.Gly1458= (NM_001354900.2); c.4320A>G, p.Gly1440= (NM_001354901.2, NM_001407453.1); and 11 more.
Identifiers: ClinVar variation 2731610 (VCV002731610.4), dbSNP rs2149916128, ClinGen allele CA446206545.